The following is an entry in ClinVar:

NM_007294.4(BRCA1):c.735T>A (p.Asp245Glu)

Gene: BRCA1 (BRCA1 DNA repair associated; minus strand). Cytogenetic location: 17q21.31.
Variant type: single nucleotide variant.
Coding change: c.735T>A on transcript NM_007294.4 (MANE Select); coding-DNA position 735, T replaced by A.
Protein change: p.Asp245Glu; replaces aspartic acid 245 with glutamic acid.
Molecular consequence: missense variant. On other transcripts: non-coding transcript variant (1).
Genome position (GRCh38, 1-based): chr17:43,094,796, A>T on the plus strand (T>A on the coding strand, the complement: BRCA1 is on the minus strand). VCF-style: chr17-43094796-A-T. GRCh37 (hg19) VCF-style: chr17-41246813-A-T.
Other names: c.735T>A, p.Asp245Glu (NM_001407620.1, NM_001407621.1, NM_001407622.1 and 54 more transcripts); c.732T>A, p.Asp244Glu (NM_001407627.1, NM_001407628.1, NM_001407629.1 and 38 more transcripts); c.726T>A, p.Asp242Glu (NM_001407646.1, NM_001407647.1, NM_001408408.1); c.612T>A, p.Asp204Glu (NM_001407648.1, NM_001407664.1, NM_001407665.1 and 34 more transcripts); c.609T>A, p.Asp203Glu (NM_001407649.1, NM_001407670.1, NM_001407671.1 and 20 more transcripts); c.657T>A, p.Asp219Glu (NM_001407653.1, NM_001407654.1, NM_001407655.1 and 9 more transcripts); c.654T>A, p.Asp218Glu (NM_001407659.1, NM_001407660.1, NM_001407661.1 and 3 more transcripts); c.522T>A, p.Asp174Glu (NM_001407571.1, NM_001407853.1, NM_001407894.1 and 12 more transcripts); and 14 more; short protein forms D245E, D198E, D117E, D133E, D134E, D175E, D177E, D219E.
Identifiers: ClinVar variation 631240 (VCV000631240.12), dbSNP rs1567802284, ClinGen allele CA10600612.

ClinVar aggregate classification (germline): Conflicting classifications of pathogenicity. Review status: criteria provided, conflicting classifications (1 of 4 stars). 5 submissions from 5 submitters: Uncertain significance (4); Likely benign (1). Last evaluated 2024-11-25.

Conditions:
Hereditary cancer-predisposing syndrome. Also called: Tumor predisposition; Neoplastic Syndromes, Hereditary; Hereditary neoplastic syndrome; Hereditary Cancer Syndrome. Identifiers: Orphanet 140162, MedGen C0027672, MeSH D009386, MONDO:0015356.
Hereditary breast ovarian cancer syndrome. Also called: Hereditary breast and ovarian cancer; Hereditary breast and ovarian cancer syndrome (HBOC); Breast and ovarian cancer; Hereditary breast and ovarian cancer syndrome; BRCA1- and BRCA2-Associated Hereditary Breast and Ovarian Cancer; Hereditary breast and/or ovarian cancer syndrome. Identifiers: Orphanet 145, MedGen C0677776, MeSH D061325, MONDO:0003582. Disease mechanism: loss of function.
BRCA1-related cancer predisposition. Identifiers: MedGen CN377757, MONDO:0700268.

Submissions (5):

Ambry Genetics
Classification: Uncertain significance for Hereditary cancer-predisposing syndrome. Last evaluated: 2024-11-25. Review status: criteria provided, single submitter. Criteria: Ambry Variant Classification Scheme 2023. Collection method: clinical testing. Allele origin: germline.
Comment: The p.D245E variant (also known as c.735T>A), located in coding exon 9 of the BRCA1 gene, results from a T to A substitution at nucleotide position 735. The aspartic acid at codon 245 is replaced by glutamic acid, an amino acid with highly similar properties. This amino acid position is well conserved in available vertebrate species. In addition, this alteration is predicted to be deleterious by in silico analysis. Based on the available evidence, the clinical significance of this variant remains unclear.

Labcorp Genetics (formerly Invitae), Labcorp
Classification: Uncertain significance for Hereditary breast ovarian cancer syndrome. Last evaluated: 2024-07-23. Review status: criteria provided, single submitter. Criteria: Invitae Variant Classification Sherloc (09022015). Collection method: clinical testing. Allele origin: germline.
Comment: This sequence change replaces aspartic acid, which is acidic and polar, with glutamic acid, which is acidic and polar, at codon 245 of the BRCA1 protein (p.Asp245Glu). This variant is not present in population databases (gnomAD no frequency). This variant has not been reported in the literature in individuals affected with BRCA1-related conditions. ClinVar contains an entry for this variant (Variation ID: 631240). Advanced modeling of protein sequence and biophysical properties (such as structural, functional, and spatial information, amino acid conservation, physicochemical variation, residue mobility, and thermodynamic stability) performed at Invitae indicates that this missense variant is not expected to disrupt BRCA1 protein function with a negative predictive value of 95%. In summary, the available evidence is currently insufficient to determine the role of this variant in disease. Therefore, it has been classified as a Variant of Uncertain Significance.

All of Us Research Program, National Institutes of Health
Classification: Uncertain significance for BRCA1-related cancer predisposition. Last evaluated: 2024-02-22. Review status: criteria provided, single submitter. Criteria: ACMG Guidelines, 2015. Collection method: clinical testing. Allele origin: germline. Inheritance: Autosomal dominant inheritance. Observed: 1 variant allele, 1 heterozygote.
Comment: This missense variant replaces aspartic acid with glutamic acid at codon 245 of the BRCA1 protein. Computational prediction is inconclusive regarding the impact of this variant on protein structure and function (internally defined REVEL score threshold 0.5 < inconclusive < 0.7, PMID: 27666373). To our knowledge, functional studies have not been reported for this variant. This variant has not been reported in individuals affected with BRCA1-related disorders in the literature. This variant has not been identified in the general population by the Genome Aggregation Database (gnomAD). The available evidence is insufficient to determine the role of this variant in disease conclusively. Therefore, this variant is classified as a Variant of Uncertain Significance.

This study involves interpretation of variants in research participants for the purpose of population health screening. Participant phenotype was not available at the time of variant classification. Additional details can be found in publication PMID: 35346344, PMCID: PMC8962531

Color Diagnostics, LLC DBA Color Health
Classification: Uncertain significance for Hereditary cancer-predisposing syndrome. Last evaluated: 2023-12-05. Review status: criteria provided, single submitter. Criteria: ACMG Guidelines, 2015. Collection method: clinical testing. Allele origin: germline.
Comment: This missense variant replaces aspartic acid with glutamic acid at codon 245 of the BRCA1 protein. Computational prediction is inconclusive regarding the impact of this variant on protein structure and function (internally defined REVEL score threshold 0.5 < inconclusive < 0.7, PMID: 27666373). To our knowledge, functional studies have not been reported for this variant. This variant has not been reported in individuals affected with BRCA1-related disorders in the literature. This variant has not been identified in the general population by the Genome Aggregation Database (gnomAD). The available evidence is insufficient to determine the role of this variant in disease conclusively. Therefore, this variant is classified as a Variant of Uncertain Significance.

University of Washington Department of Laboratory Medicine, University of Washington
Classification: Likely benign for Hereditary cancer-predisposing syndrome. Last evaluated: 2023-03-23. Review status: criteria provided, single submitter. Criteria: Dines et al. (Genet Med. 2020). Collection method: curation. Allele origin: germline.
Comment: Missense variant in a coldspot region where missense variants are very unlikely to be pathogenic (PMID:31911673).

BRCA1 coldspot (exon 11 using historical exon numbering). Reclassification based on statistical prior probability